The following is an entry in ClinVar:

NM_020366.4(RPGRIP1):c.3733G>A (p.Glu1245Lys)

Gene: RPGRIP1 (RPGR interacting protein 1; plus strand). Cytogenetic location: 14q11.2.
Variant type: single nucleotide variant.
Coding change: c.3733G>A on transcript NM_020366.4 (MANE Select); coding-DNA position 3733, G replaced by A.
Protein change: p.Glu1245Lys; replaces glutamic acid 1245 with lysine.
Molecular consequence: missense variant.
Genome position (GRCh38, 1-based): chr14:21,348,287, G>A. VCF-style: chr14-21348287-G-A. GRCh37 (hg19) VCF-style: chr14-21816446-G-A.
Other names: c.1711G>A, p.Glu571Lys (NM_001377523.1, NM_001377950.1); c.2659G>A, p.Glu887Lys (NM_001377948.1); c.1819G>A, p.Glu607Lys (NM_001377949.1); c.1216G>A, p.Glu406Lys (NM_001377951.1); short protein forms E1245K, E406K, E571K, E607K, E887K.
Identifiers: ClinVar variation 2413333 (VCV002413333.4), dbSNP rs2502981645, ClinGen allele CA388858202.

ClinVar aggregate classification (germline): Uncertain significance (1 of 4 stars; one submission).

Conditions:
Leber congenital amaurosis 6 (LCA6). Identifiers: Orphanet 65, MedGen C1854260, MONDO:0013446, OMIM 613826.
Cone-rod dystrophy 13 (CORD13). Identifiers: Orphanet 1872, MedGen C2750720, MONDO:0011987, OMIM 608194.

gnomAD v4.1: 1 of 1,582,356 alleles (0.000063%); highest among the groups gnomAD compares: Admixed American, 0.0019%; no homozygotes.

Submission:

Labcorp Genetics (formerly Invitae), Labcorp
Classification: Uncertain significance for Leber congenital amaurosis 6; Cone-rod dystrophy 13. Last evaluated: 2022-08-06. Review status: criteria provided, single submitter. Criteria: Invitae Variant Classification Sherloc (09022015). Collection method: clinical testing. Allele origin: germline.
Comment: In summary, the available evidence is currently insufficient to determine the role of this variant in disease. Therefore, it has been classified as a Variant of Uncertain Significance. Algorithms developed to predict the effect of missense changes on protein structure and function are either unavailable or do not agree on the potential impact of this missense change (SIFT: "Tolerated"; PolyPhen-2: "Possibly Damaging"; Align-GVGD: "Class C0"). This variant has not been reported in the literature in individuals affected with RPGRIP1-related conditions. This variant is not present in population databases (gnomAD no frequency). This sequence change replaces glutamic acid, which is acidic and polar, with lysine, which is basic and polar, at codon 1245 of the RPGRIP1 protein (p.Glu1245Lys).